The following is an entry in ClinVar:

ClinVar aggregate classification (germline): Uncertain significance. Review status: criteria provided, multiple submitters, no conflicts (2 of 4 stars). 2 submissions from 2 submitters: Uncertain significance (2). Last evaluated 2021-07-11.

Conditions:
Inborn genetic diseases. Identifiers: MedGen C0950123, MeSH D030342.
Perry syndrome. Also called: PARKINSONISM WITH ALVEOLAR HYPOVENTILATION AND MENTAL DEPRESSION. Identifiers: Orphanet 178509, MedGen C1868594, MONDO:0008201, OMIM 168605.
Neuronopathy, distal hereditary motor, type 7B. Also called: HMN VIIB; Distal Hereditary Motor Neuronopathy Type 7B (dHMN7B); LOWER MOTOR NEURON DISEASE, DYNACTIN TYPE; NEURONOPATHY, DISTAL HEREDITARY MOTOR, AUTOSOMAL DOMINANT 14; NEURONOPATHY, DISTAL HEREDITARY MOTOR, HARDING TYPE VIIB; NEUROPATHY, DISTAL HEREDITARY MOTOR, HARDING TYPE VIIB. Identifiers: Orphanet 139589, MedGen C1843315, MONDO:0011879, OMIM 607641.
Amyotrophic lateral sclerosis type 1 (ALS1). Also called: AMYOTROPHIC LATERAL SCLEROSIS 1, FAMILIAL. Identifiers: Orphanet 803, MedGen C1862939, MONDO:0007103, OMIM 105400.

gnomAD v4.1: 4 of 1,613,796 alleles (0.00025%); highest among the groups gnomAD compares: Middle Eastern, 0.033%; no homozygotes.

Submissions (2):

Ambry Genetics
Classification: Uncertain significance for Inborn genetic diseases. Last evaluated: 2021-07-11. Review status: criteria provided, single submitter. Criteria: Ambry Variant Classification Scheme 2023. Collection method: clinical testing. Allele origin: germline.
Comment: The p.T1210R variant (also known as c.3629C>G), located in coding exon 31 of the DCTN1 gene, results from a C to G substitution at nucleotide position 3629. The threonine at codon 1210 is replaced by arginine, an amino acid with similar properties. This amino acid position is conserved. In addition, the in silico prediction for this alteration is inconclusive. Since supporting evidence is limited at this time, the clinical significance of this alteration remains unclear.

Labcorp Genetics (formerly Invitae), Labcorp
Classification: Uncertain significance for Amyotrophic lateral sclerosis type 1; Neuronopathy, distal hereditary motor, type 7B; Perry syndrome. Last evaluated: 2021-06-16. Review status: criteria provided, single submitter. Criteria: Invitae Variant Classification Sherloc (09022015). Collection method: clinical testing. Allele origin: germline.
Comment: This sequence change replaces threonine with arginine at codon 1210 of the DCTN1 protein (p.Thr1210Arg). The threonine residue is highly conserved and there is a moderate physicochemical difference between threonine and arginine. This variant is not present in population databases (ExAC no frequency). This variant has not been reported in the literature in individuals with DCTN1-related conditions. Algorithms developed to predict the effect of missense changes on protein structure and function are either unavailable or do not agree on the potential impact of this missense change (SIFT: "Deleterious"; PolyPhen-2: "Benign"; Align-GVGD: "Class C65"). In summary, the available evidence is currently insufficient to determine the role of this variant in disease. Therefore, it has been classified as a Variant of Uncertain Significance.

NM_004082.5(DCTN1):c.3629C>G (p.Thr1210Arg)

Gene: DCTN1 (dynactin subunit 1; minus strand). Cytogenetic location: 2p13.1.
Variant type: single nucleotide variant.
Coding change: c.3629C>G on transcript NM_004082.5 (MANE Select); coding-DNA position 3629, C replaced by G.
Protein change: p.Thr1210Arg; replaces threonine 1210 with arginine.
Molecular consequence: missense variant. On other transcripts: non-coding transcript variant (1).
Genome position (GRCh38, 1-based): chr2:74,362,122, G>C on the plus strand (C>G on the coding strand, the complement: DCTN1 is on the minus strand). VCF-style: chr2-74362122-G-C. GRCh37 (hg19) VCF-style: chr2-74589249-G-C.
Other names: c.3554C>G, p.Thr1185Arg (NM_001135040.3); c.3212C>G, p.Thr1071Arg (NM_001135041.3); c.3503C>G, p.Thr1168Arg (NM_001190836.2); c.3608C>G, p.Thr1203Arg (NM_001190837.2); c.3578C>G, p.Thr1193Arg (NM_001378991.1); c.3560C>G, p.Thr1187Arg (NM_001378992.1); c.3227C>G, p.Thr1076Arg (NM_023019.4); short protein forms T1187R, T1203R, T1210R, T1071R, T1168R, T1193R, T1076R, T1185R.
Identifiers: ClinVar variation 1489042 (VCV001489042.10), dbSNP rs565866230, ClinGen allele CA347335042.